The following is an entry in ClinVar:

NM_000393.5(COL5A2):c.3162T>C (p.Asn1054=)

Gene: COL5A2 (collagen type V alpha 2 chain; minus strand). Cytogenetic location: 2q32.2.
Variant type: single nucleotide variant.
Coding change: c.3162T>C on transcript NM_000393.5 (MANE Select); coding-DNA position 3162, T replaced by C.
Protein change: p.Asn1054=; no amino-acid change (asparagine 1054 retained).
Molecular consequence: synonymous variant.
Genome position (GRCh38, 1-based): chr2:189,048,248, A>G on the plus strand (T>C on the coding strand, the complement: COL5A2 is on the minus strand). VCF-style: chr2-189048248-A-G. GRCh37 (hg19) VCF-style: chr2-189912974-A-G.
Identifiers: ClinVar variation 385531 (VCV000385531.10), dbSNP rs769755441, ClinGen allele CA2022090.

ClinVar aggregate classification (germline): Likely benign. Review status: criteria provided, multiple submitters, no conflicts (2 of 4 stars). 3 submissions from 3 submitters: Likely benign (3). Last evaluated 2026-05-14.

Conditions:
Ehlers-Danlos syndrome, classic type, 1 (EDSCL1). Also called: EHLERS-DANLOS SYNDROME, GRAVIS TYPE; EHLERS-DANLOS SYNDROME, SEVERE CLASSIC TYPE; Ehlers-Danlos Syndrome, Classic Type, COL5A1-Related; EDS I; Ehlers-Danlos syndrome, type 1. Identifiers: MedGen C0268335, MONDO:0019567, OMIM 130000.
Familial thoracic aortic aneurysm and aortic dissection (TAAD). Also called: Thoracic aortic aneurysms and dissections. Identifiers: Orphanet 91387, MedGen C4707243, MONDO:0019625.

Allele frequency attached by ClinVar (database versions not stated): TOPMed 0.00002; gnomAD exomes 0.00001; gnomAD 0.00001; ExAC 0.00002.
gnomAD v4.1: 6 of 1,613,890 alleles (0.00037%); highest among the groups gnomAD compares: Admixed American, 0.0067%; no homozygotes.

Submissions (3):

Ambry Genetics
Classification: Likely benign for Familial thoracic aortic aneurysm and aortic dissection. Last evaluated: 2026-05-14. Review status: criteria provided, single submitter. Criteria: Ambry Variant Classification Scheme 2023. Collection method: clinical testing. Allele origin: germline.

Labcorp Genetics (formerly Invitae), Labcorp
Classification: Likely benign for Ehlers-Danlos syndrome, classic type, 1. Last evaluated: 2025-02-09. Review status: criteria provided, single submitter. Criteria: Invitae Variant Classification Sherloc (09022015). Collection method: clinical testing. Allele origin: germline.

GeneDx
Classification: Likely benign. Last evaluated: 2016-04-14. Review status: criteria provided, single submitter. Criteria: GeneDx Variant Classification (06012015). Collection method: clinical testing. Allele origin: germline. Affected: yes.
Comment: This variant is considered likely benign or benign based on one or more of the following criteria: it is a conservative change, it occurs at a poorly conserved position in the protein, it is predicted to be benign by multiple in silico algorithms, and/or has population frequency not consistent with disease.